The following is an entry in ClinVar:

ClinVar aggregate classification (germline): Conflicting classifications of pathogenicity. Review status: criteria provided, conflicting classifications (1 of 4 stars). 2 submissions from 2 submitters: Likely pathogenic (1); Uncertain significance (1). Last evaluated 2022-06-22.

Conditions:
Hypertrophic cardiomyopathy 1 (CMH1). Also called: Familial hypertrophic cardiomyopathy 1; MYH7-Related Familial Hypertrophic Cardiomyopathy. Identifiers: MedGen C3495498, MONDO:0008647, OMIM 192600.
Hypertrophic cardiomyopathy. Also called: HYPERTROPHIC MYOCARDIOPATHY. Identifiers: Orphanet 217569, MedGen C0007194, MeSH D002312, MONDO:0005045, HP:0001639.

Submissions (2):

Labcorp Genetics (formerly Invitae), Labcorp
Classification: Uncertain significance for Hypertrophic cardiomyopathy. Last evaluated: 2022-06-22. Review status: criteria provided, single submitter. Criteria: Invitae Variant Classification Sherloc (09022015). Collection method: clinical testing. Allele origin: germline.
Comment: This variant is not present in population databases (gnomAD no frequency). This variant, c.2542_2544del, results in the deletion of 1 amino acid(s) of the MYH7 protein (p.Glu848del), but otherwise preserves the integrity of the reading frame. This variant has been observed in individual(s) with hypertrophic cardiomyopathy (PMID: 30297972). ClinVar contains an entry for this variant (Variation ID: 217466). In summary, the available evidence is currently insufficient to determine the role of this variant in disease. Therefore, it has been classified as a Variant of Uncertain Significance. Experimental studies and prediction algorithms are not available or were not evaluated, and the functional significance of this variant is currently unknown.

Laboratory of Genetics and Molecular Cardiology, University of São Paulo
Classification: Likely pathogenic for Hypertrophic cardiomyopathy 1. Review status: criteria provided, single submitter. Criteria: LGCM Criteria August 2015. Collection method: clinical testing. Allele origin: germline. Inheritance: Autosomal dominant inheritance. Affected: yes. Observed: 1 variant allele. Study: Sarcomeric Human Cardiomyopathy Registry (ShaRe).

Literature cited by the submitters: PubMed 30297972 (cited by Labcorp Genetics (formerly Invitae), Labcorp).

NM_000257.4(MYH7):c.2542_2544del (p.Glu848del)

Genes: MYH7 (myosin heavy chain 7; minus strand), LOC126861898 (BRD4-independent group 4 enhancer GRCh37_chr14:23893609-23894808; plus strand). Cytogenetic location: 14q11.2.
Variant type: Deletion.
Coding change: c.2542_2544del on transcript NM_000257.4 (MANE Select); coding-DNA positions 2542 to 2544, 3 bases deleted (GAG; older notation c.2542_2544delGAG).
Protein change: p.Glu848del; deletes glutamic acid 848.
Molecular consequence: inframe deletion.
Genome position (GRCh38, 1-based): chr14:23,424,904-23,424,906, CTC deleted on the plus strand (GAG on the coding strand, the reverse complement: MYH7 is on the minus strand); deleting any 3 consecutive bases within chr14:23,424,904-23,424,908 gives the same sequence; the c. name uses the placement nearest the transcript's 3' end. VCF-style (leftmost placement, unchanged base first): chr14-23424903-TCTC-T. GRCh37 (hg19) VCF-style: chr14-23894112-TCTC-T.
Other names: c.2542_2544del (LRG_384t1); short protein forms E848del.
Identifiers: ClinVar variation 217466 (VCV000217466.6), dbSNP rs863225099, ClinGen allele CA279274.